The following is an entry in ClinVar:

ClinVar aggregate classification (germline): Uncertain significance (1 of 4 stars; one submission).

Submission:

GeneDx
Classification: Uncertain significance. Last evaluated: 2019-06-10. Review status: criteria provided, single submitter. Criteria: GeneDx Variant Classification Process June 2021. Collection method: clinical testing. Allele origin: germline. Affected: yes.
Comment: Not observed in large population cohorts (Lek et al., 2016); In silico analysis, which includes protein predictors and evolutionary conservation, supports a deleterious effect; Has not been previously published as pathogenic or benign to our knowledge

NM_001128840.3(CACNA1D):c.2281C>G (p.Leu761Val)

Gene: CACNA1D (calcium voltage-gated channel subunit alpha1 D; plus strand). Cytogenetic location: 3p21.1.
Variant type: single nucleotide variant.
Coding change: c.2281C>G on transcript NM_001128840.3 (MANE Select); coding-DNA position 2281, C replaced by G.
Protein change: p.Leu761Val; replaces leucine 761 with valine.
Molecular consequence: missense variant.
Genome position (GRCh38, 1-based): chr3:53,730,501, C>G. VCF-style: chr3-53730501-C-G. GRCh37 (hg19) VCF-style: chr3-53764528-C-G.
Other names: c.2341C>G, p.Leu781Val (NM_000720.4); c.2281C>G, p.Leu761Val (NM_001128839.3); short protein forms L761V, L781V.
Identifiers: ClinVar variation 1302660 (VCV001302660.2), dbSNP rs2108758882, ClinGen allele CA353240510.